The following is an entry in ClinVar:

NM_001388459.1(FRMPD3):c.290C>G (p.Thr97Ser)

Genes: FRMPD3 (FERM and PDZ domain containing 3; plus strand), FRMPD3-AS1 (FRMPD3 antisense RNA 1; minus strand). Cytogenetic location: Xq22.3.
Variant type: single nucleotide variant.
Coding change: c.290C>G on transcript NM_001388459.1 (MANE Select); coding-DNA position 290, C replaced by G.
Protein change: p.Thr97Ser; replaces threonine 97 with serine.
Molecular consequence: missense variant. On other transcripts: intron variant (1).
Genome position (GRCh38, 1-based): chrX:107,533,543, C>G. VCF-style: chrX-107533543-C-G. GRCh37 (hg19) VCF-style: chrX-106776773-C-G.
Other names: c.389C>G, p.Thr130Ser (NM_032428.2); c.-109+3032C>G (NM_001388462.1); short protein forms T130S, T97S.
Identifiers: ClinVar variation 2661145 (VCV002661145.24), dbSNP rs183796305, ClinGen allele CA10484825.

ClinVar aggregate classification (germline): Likely benign (1 of 4 stars; one submission).

Allele frequency attached by ClinVar (database versions not stated): gnomAD 0.00006; ExAC 0.00007; TOPMed 0.00007; 1000 Genomes Project 30x 0.00021; 1000 Genomes Project 0.00026; ESP Exome Variant Server 0.00044.
gnomAD v4.1: 77 of 1,204,730 alleles (0.0064%); highest among the groups gnomAD compares: Non-Finnish European, 0.0082%; no homozygotes.

Submission:

CeGaT Center for Human Genetics Tuebingen
Classification: Likely benign. Last evaluated: 2022-12-01. Review status: criteria provided, single submitter. Criteria: CeGaT Center For Human Genetics Tuebingen Variant Classification Criteria Version 2. Collection method: clinical testing. Allele origin: germline. Affected: yes. Observed: 1 variant allele.
Comment: FRMPD3: BP4, BS2